The following is an entry in ClinVar:

ClinVar aggregate classification (germline): Pathogenic (1 of 4 stars; one submission).

Conditions:
Hereditary cancer-predisposing syndrome. Also called: Neoplastic Syndromes, Hereditary; Tumor predisposition; Hereditary Cancer Syndrome; Hereditary neoplastic syndrome. Identifiers: Orphanet 140162, MedGen C0027672, MeSH D009386, MONDO:0015356.

Submission:

Ambry Genetics
Classification: Pathogenic for Hereditary cancer-predisposing syndrome. Last evaluated: 2021-10-21. Review status: criteria provided, single submitter. Criteria: Ambry Variant Classification Scheme 2023. Collection method: clinical testing. Allele origin: germline.
Comment: The c.3866_3870dupTCATT pathogenic mutation, located in coding exon 9 of the MSH6 gene, results from a duplication of TCATT at nucleotide position 3866, causing a translational frameshift with a predicted alternate stop codon (p.K1291Sfs*38). This variant was not reported in population-based cohorts in the Genome Aggregation Database (gnomAD). This alteration occurs at the 3' terminus of theMSH6 gene, is not expected to trigger nonsense-mediated mRNA decay, and only impacts the last 69 AA of the protein. However, premature stop codons are typically deleterious in nature and the impacted region is critical for protein function (Ambry internal data). Based on the supporting evidence, this alteration is interpreted as a disease-causing mutation.

NM_000179.3(MSH6):c.3866_3870dup (p.Lys1291fs)

Gene: MSH6 (mutS homolog 6; plus strand). Cytogenetic location: 2p16.3.
Variant type: Duplication.
Coding change: c.3866_3870dup on transcript NM_000179.3 (MANE Select); coding-DNA positions 3866 to 3870, 5 bases duplicated (TCATT; older notation c.3866_3870dupTCATT).
Protein change: p.Lys1291fs; shifts the reading frame from lysine 1291.
Molecular consequence: frameshift variant.
Genome position (GRCh38, 1-based): chr2:47,806,516-47,806,520, TCATT duplicated; duplicating any 5 consecutive bases within chr2:47,806,515-47,806,520 gives the same sequence; the c. name uses the placement nearest the transcript's 3' end. VCF-style (leftmost placement, unchanged base first): chr2-47806514-A-ATTCAT. GRCh37 (hg19) VCF-style: chr2-48033653-A-ATTCAT.
Other names: c.3476_3480dup, p.Lys1161fs (NM_001281492.2); c.2960_2964dup, p.Lys989fs (NM_001281493.2, NM_001281494.2); c.3962_3966dup, p.Lys1323Serfs (NM_001406795.1); c.3866_3870dup, p.Lys1291Serfs (NM_001406796.1, NM_001406808.1, NM_001406809.1); c.3569_3573dup, p.Lys1192Serfs (NM_001406797.1, NM_001406801.1, NM_001406805.1 and 10 more transcripts); c.3692_3696dup, p.Lys1233Serfs (NM_001406798.1); c.3341_3345dup, p.Lys1116Serfs (NM_001406799.1, NM_001406806.1, NM_001406807.1); c.3853_3857dup, p.Leu1286Phefs (NM_001406800.1); and 10 more; short protein forms K1291fs, K989fs, K1161fs.
Identifiers: ClinVar variation 1735639 (VCV001735639.2), dbSNP rs2530863140, ClinGen allele CA2580067415.
Genomic context (GRCh38, chr2:47,806,514, plus strand): 5'-ATGCATGGTAGAAAATGAATGTGAAGACCCCAGCCAGGAGACTATTACGTTCCTCTATAA[A>ATTCAT]TTCATTAAGGGAGCTTGTCCTAAAAGCTATGGCTTTAATGCAGCAAGGCTTGCTAATCTC-3'